The following is an entry in ClinVar:

ClinVar aggregate classification (germline): Uncertain significance (1 of 4 stars; one submission).

Submission:

GeneDx
Classification: Uncertain significance. Last evaluated: 2020-11-09. Review status: criteria provided, single submitter. Criteria: GeneDx Variant Classification Process June 2021. Collection method: clinical testing. Allele origin: germline. Affected: yes.
Comment: Not observed in large population cohorts (Lek et al., 2016); In silico analysis supports that this missense variant does not alter protein structure/function; Has not been previously published as pathogenic or benign to our knowledge

NM_001009944.3(PKD1):c.11110G>C (p.Ala3704Pro)

Genes: PKD1 (polycystin 1, transient receptor potential channel interacting; minus strand), PKD1-AS1 (PKD1 antisense RNA 1; plus strand). Cytogenetic location: 16p13.3.
Variant type: single nucleotide variant.
Coding change: c.11110G>C on transcript NM_001009944.3 (MANE Select); coding-DNA position 11110, G replaced by C.
Protein change: p.Ala3704Pro; replaces alanine 3704 with proline.
Molecular consequence: missense variant. On other transcripts: non-coding transcript variant (1).
Genome position (GRCh38, 1-based): chr16:2,093,000, C>G on the plus strand (G>C on the coding strand, the complement: PKD1 is on the minus strand). VCF-style: chr16-2093000-C-G. GRCh37 (hg19) VCF-style: chr16-2143001-C-G.
Other names: c.11107G>C, p.Ala3703Pro (NM_000296.4); short protein forms A3703P, A3704P.
Identifiers: ClinVar variation 1313557 (VCV001313557.2), dbSNP rs537844225, ClinGen allele CA394336924.